The following is an entry in ClinVar:

ClinVar aggregate classification (germline): Likely pathogenic (1 of 4 stars; one submission).

Conditions:
Timothy syndrome (TS). Also called: LONG QT SYNDROME WITH SYNDACTYLY. Identifiers: Orphanet 65283, MedGen C1832916, MeSH C536962, MONDO:0010979, OMIM 601005.

Submission:

3billion
Classification: Likely pathogenic for Timothy syndrome. Last evaluated: 2025-12-16. Review status: criteria provided, single submitter. Criteria: ACMG Guidelines, 2015. Collection method: clinical testing. Allele origin: germline. Affected: yes.
Comment: The variant is not observed in the gnomAD v4.1.0 dataset. Predicted Consequence/Location: Missense variant. Missense changes are a common disease-causing mechanism. In silico tool predictions suggest damaging effect of the variant on gene or gene product [REVEL: 0.95 (>=0.6, sensitivity 0.68 and specificity 0.92); 3Cnet: 0.97 (> 0.75, sensitivity 0.96 and precision 0.92)]. Different missense changes at the same codon (p.Gly402Ser, p.Gly402Val) have been reported as pathogenic/likely pathogenic with strong evidence (ClinVar ID: VCV000017633 /PMID: 32161207). Therefore, this variant is classified as Likely pathogenic according to the recommendation of ACMG/AMP guideline.

Literature cited by the submitters: PubMed 32161207.

NM_000719.7(CACNA1C):c.1205G>A (p.Gly402Asp)

Gene: CACNA1C (calcium voltage-gated channel subunit alpha1 C; plus strand). Cytogenetic location: 12p13.33.
Variant type: single nucleotide variant.
Coding change: c.1205G>A on transcript NM_000719.7 (MANE Select); coding-DNA position 1205, G replaced by A.
Protein change: p.Gly402Asp; replaces glycine 402 with aspartic acid.
Molecular consequence: missense variant. On other transcripts: intron variant (4).
Genome position (GRCh38, 1-based): chr12:2,504,933, G>A. VCF-style: chr12-2504933-G-A. GRCh37 (hg19) VCF-style: chr12-2614099-G-A.
Other names: c.1205G>A, p.Gly402Asp (NM_001129827.2, NM_001129829.2, NM_001129830.3 and 14 more transcripts); c.1217+394G>A (NM_001167624.3, NM_001167623.2, NM_001167625.2 and 1 more transcripts); c.1196G>A, p.Gly399Asp (NM_001129844.2); short protein forms G399D, G402D.
Identifiers: ClinVar variation 4855889 (VCV004855889.1).